The following is an entry in ClinVar:

ClinVar aggregate classification (germline): Pathogenic (1 of 4 stars; one submission).

Conditions:
Glaucoma 3A. Also called: Glaucoma 3, primary congenital, A. Identifiers: Orphanet 98976, Orphanet 98977, MedGen C1856439, MONDO:0009277, OMIM 231300.

Submission:

MVZ Medizinische Genetik Mainz
Classification: Pathogenic for Glaucoma 3A. Last evaluated: 2024-02-01. Review status: criteria provided, single submitter. Criteria: UK Practice Guidelines For Variant Classification V4 01 2020. Collection method: clinical testing. Allele origin: germline. Inheritance: Autosomal recessive inheritance. Affected: yes. Observed: 1 variant allele.
Comment: ACMG Criteria: PVS1,PM2_SUP,PM3_SUP

NM_000104.4(CYP1B1):c.83C>A (p.Ser28Ter)

Gene: CYP1B1 (cytochrome P450 family 1 subfamily B member 1; minus strand). Cytogenetic location: 2p22.2.
Variant type: single nucleotide variant.
Coding change: c.83C>A on transcript NM_000104.4 (MANE Select); coding-DNA position 83, C replaced by A.
Protein change: p.Ser28Ter; replaces serine 28 with a stop codon.
Molecular consequence: nonsense.
Genome position (GRCh38, 1-based): chr2:38,075,306, G>T on the plus strand (C>A on the coding strand, the complement: CYP1B1 is on the minus strand). VCF-style: chr2-38075306-G-T. GRCh37 (hg19) VCF-style: chr2-38302449-G-T.
Other names: short protein forms S28*.
Identifiers: ClinVar variation 3236111 (VCV003236111.1), dbSNP rs780002791, ClinGen allele CA346329937.
Genomic context (GRCh38, chr2:38,075,306, plus strand): 5'-CGGAGCTGCCGCCTCCGTTGCCTCAGCAGCCGCTGGCCCACATGCACAGTGGCCAGCACC[G>T]ACAGGAGTAGCAGGAGCGTGGTCTGCTGGATGGACAGCGGGTTTAGCGGCCAAGGGTCGT-3'